The following is an entry in ClinVar:

ClinVar aggregate classification (germline): Uncertain significance. Review status: criteria provided, multiple submitters, no conflicts (2 of 4 stars). 2 submissions from 2 submitters: Uncertain significance (2). Last evaluated 2026-02-02.

Conditions:
Cardiovascular phenotype. Identifiers: MedGen CN230736.
Progressive familial heart block type IB (PFHB1B). Identifiers: Orphanet 871, MedGen C1970298, MONDO:0011474, OMIM 604559.

Allele frequency attached by ClinVar (database versions not stated): gnomAD exomes 0.00001; TOPMed 0.00001; gnomAD 0.00002.
gnomAD v4.1: 13 of 1,614,104 alleles (0.00081%); highest among the groups gnomAD compares: Non-Finnish European, 0.00093%; no homozygotes.

Submissions (2):

Labcorp Genetics (formerly Invitae), Labcorp
Classification: Uncertain significance for Progressive familial heart block type IB. Last evaluated: 2026-02-02. Review status: criteria provided, single submitter. Criteria: Invitae Variant Classification Sherloc (09022015). Collection method: clinical testing. Allele origin: germline.
Comment: This sequence change replaces alanine, which is neutral and non-polar, with threonine, which is neutral and polar, at codon 1076 of the TRPM4 protein (p.Ala1076Thr). This variant is not present in population databases (gnomAD no frequency). This missense change has been observed in individual(s) with TRPM4-related condition (PMID: 33919104). ClinVar contains an entry for this variant (Variation ID: 1379583). An algorithm developed to predict the effect of missense changes on protein structure and function (PolyPhen-2) suggests that this variant is likely to be disruptive. In summary, the available evidence is currently insufficient to determine the role of this variant in disease. Therefore, it has been classified as a Variant of Uncertain Significance.

Ambry Genetics
Classification: Uncertain significance for Cardiovascular phenotype. Last evaluated: 2020-03-28. Review status: criteria provided, single submitter. Criteria: Ambry Variant Classification Scheme 2023. Collection method: clinical testing. Allele origin: germline.
Comment: The p.A1076T variant (also known as c.3226G>A), located in coding exon 21 of the TRPM4 gene, results from a G to A substitution at nucleotide position 3226. The alanine at codon 1076 is replaced by threonine, an amino acid with similar properties. This amino acid position is highly conserved in available vertebrate species. In addition, the in silico prediction for this alteration is inconclusive. Since supporting evidence is limited at this time, the clinical significance of this alteration remains unclear.

Literature cited by the submitters: PubMed 33919104 (cited by Labcorp Genetics (formerly Invitae), Labcorp).

NM_017636.4(TRPM4):c.3226G>A (p.Ala1076Thr)

Gene: TRPM4 (transient receptor potential cation channel subfamily M member 4; plus strand). Cytogenetic location: 19q13.33.
Variant type: single nucleotide variant.
Coding change: c.3226G>A on transcript NM_017636.4 (MANE Select); coding-DNA position 3226, G replaced by A.
Protein change: p.Ala1076Thr; replaces alanine 1076 with threonine.
Molecular consequence: missense variant.
Genome position (GRCh38, 1-based): chr19:49,210,303, G>A. VCF-style: chr19-49210303-G-A. GRCh37 (hg19) VCF-style: chr19-49713560-G-A.
Other names: c.2791G>A, p.Ala931Thr (NM_001195227.2); c.2881G>A, p.Ala961Thr (NM_001321281.2); c.1618G>A, p.Ala540Thr (NM_001321282.2); c.2704G>A, p.Ala902Thr (NM_001321283.2); c.2164G>A, p.Ala722Thr (NM_001321285.2); short protein forms A902T, A1076T, A540T, A931T, A722T, A961T.
Identifiers: ClinVar variation 1379583 (VCV001379583.8), dbSNP rs1439683845, ClinGen allele CA406771881.